The following is an entry in ClinVar:

NM_000152.5(GAA):c.1160TGG[1] (p.Val388del)

Gene: GAA (alpha glucosidase; plus strand). Cytogenetic location: 17q25.3.
Variant type: Microsatellite.
Coding change: c.1160TGG[1] on transcript NM_000152.5 (MANE Select); one copy of the 3-base unit TGG starting at c.1160; the reference has two copies in a row; one copy, 3 bases deleted; also written c.1163_1165del.
Protein change: p.Val388del; deletes valine 388.
Molecular consequence: inframe deletion. On other transcripts: inframe indel (2).
Genome position (GRCh38, 1-based): chr17:80,108,576-80,108,578, TGG deleted; deleting any 3 consecutive bases within chr17:80,108,571-80,108,578 gives the same sequence; the position shown is the placement nearest the transcript's 3' end. VCF-style (leftmost placement, unchanged base first): chr17-80108570-AGGT-A. GRCh37 (hg19) VCF-style: chr17-78082369-AGGT-A.
Other names: c.1160TGG[1], p.Val388del (NM_001079803.3, NM_001079804.3); c.1160_1162TGG[1], p.Val388del (NM_001406741.1, NM_001406742.1); c.1163_1165del (NM_000152.5); short protein forms V388del.
Identifiers: ClinVar variation 1993557 (VCV001993557.6), dbSNP rs778970166, ClinGen allele CA8815185.

ClinVar aggregate classification (germline): Conflicting classifications of pathogenicity. Review status: criteria provided, conflicting classifications (1 of 4 stars). 3 submissions from 3 submitters: Likely pathogenic (1); Uncertain significance (2). Last evaluated 2026-07-01.

Conditions:
Glycogen storage disease, type II (IOPD). Also called: CARDIOMEGALIA GLYCOGENICA DIFFUSA; GLYCOGENOSIS, GENERALIZED, CARDIAC FORM; GSD II; Glycogen storage disease type 2; Acid maltase deficiency disease; Aglucosidase alfa. Identifiers: Orphanet 365, MedGen C0017921, MONDO:0009290, OMIM 232300.

Submissions (3):

Genomenon, Inc
Classification: Uncertain significance for Glycogen storage disease, type II. Last evaluated: 2026-07-01. Review status: criteria provided, single submitter. Criteria: Genomenon Sequence Variant Interpretation Standards - Updated. Collection method: curation. Allele origin: germline. Affected: yes.
Comment: GAA p.Val388del (c.1163_1165del) is an in-frame deletion that results in the loss of Valine at codon 388. This variant has been observed in at least one proband with a GAA-related disorder in the compound heterozygous and/or homozygous state (PMID:34072668). It is absent or not present at a significant frequency in gnomAD. In conclusion, we classify GAA p.Val388del (c.1163_1165del) as a variant of uncertain significance.

Natera, Inc.
Classification: Likely pathogenic for Glycogen storage disease type II. Last evaluated: 2025-12-09. Review status: criteria provided, single submitter. Criteria: Natera Variant Classification Schema (03/2026). Collection method: clinical testing. Allele origin: germline.
Comment: The c.1163_1165del variant in GAA is an in-frame deletion predicted to remove valine at amino acid 388 while preserving the reading frame. This variant is rare in the general population with a frequency below the threshold expected for the associated phenotype(s). This variant has been observed in one or more individuals affected with the associated recessive disease, as either homozygous or compound heterozygous with a second variant (PMID: 34072668). This variant results in a change to the protein length while preserving reading frame, which may disrupt normal protein structure or function. Computational prediction algorithms indicate this variant is likely to affect gene or protein function. Given the available evidence, this variant is classified as Likely Pathogenic.

Labcorp Genetics (formerly Invitae), Labcorp
Classification: Uncertain significance for Glycogen storage disease, type II. Last evaluated: 2022-05-12. Review status: criteria provided, single submitter. Criteria: Invitae Variant Classification Sherloc (09022015). Collection method: clinical testing. Allele origin: germline.
Comment: Experimental studies and prediction algorithms are not available or were not evaluated, and the functional significance of this variant is currently unknown. This variant has not been reported in the literature in individuals affected with GAA-related conditions. This variant is present in population databases (rs778970166, gnomAD 0.007%). This variant, c.1163_1165del, results in the deletion of 1 amino acid(s) of the GAA protein (p.Val388del), but otherwise preserves the integrity of the reading frame. Algorithms developed to predict the effect of sequence changes on RNA splicing suggest that this variant may create or strengthen a splice site. In summary, the available evidence is currently insufficient to determine the role of this variant in disease. Therefore, it has been classified as a Variant of Uncertain Significance.

Literature cited by the submitters: PubMed 34072668 (cited by Genomenon, Inc and Natera, Inc.).